The following is an entry in ClinVar:

ClinVar aggregate classification (germline): Uncertain significance. Review status: criteria provided, multiple submitters, no conflicts (2 of 4 stars). 4 submissions from 4 submitters: Uncertain significance (4). Last evaluated 2026-02-03.

Conditions:
Rapadilino syndrome. Identifiers: Orphanet 3021, MedGen C1849453, MONDO:0009955, OMIM 266280.
Baller-Gerold syndrome (BGS). Also called: CRANIOSYNOSTOSIS WITH RADIAL DEFECTS. Identifiers: Orphanet 1225, MedGen C0265308, MONDO:0009039, OMIM 218600.
Rothmund-Thomson syndrome type 2 (RTS2). Identifiers: Orphanet 221016, MedGen C5203410, MONDO:0016369, OMIM 268400.
Inborn genetic diseases. Identifiers: MedGen C0950123, MeSH D030342.

Allele frequency attached by ClinVar (database versions not stated): gnomAD 0.00009 and 0.00010; TOPMed 0.00016.
gnomAD v4.1: 25 of 1,609,516 alleles (0.0016%); highest among the groups gnomAD compares: Admixed American, 0.037%; no homozygotes.

Submissions (4):

Labcorp Genetics (formerly Invitae), Labcorp
Classification: Uncertain significance for Baller-Gerold syndrome. Last evaluated: 2026-02-03. Review status: criteria provided, single submitter. Criteria: Invitae Variant Classification Sherloc (09022015). Collection method: clinical testing. Allele origin: germline.
Comment: This sequence change replaces glutamine, which is neutral and polar, with leucine, which is neutral and non-polar, at codon 377 of the RECQL4 protein (p.Gln377Leu). This variant is present in population databases (no rsID available, gnomAD 0.006%). This variant has not been reported in the literature in individuals affected with RECQL4-related conditions. ClinVar contains an entry for this variant (Variation ID: 528980). Experimental studies and prediction algorithms are not available or were not evaluated, and the functional significance of this variant is currently unknown. In summary, the available evidence is currently insufficient to determine the role of this variant in disease. Therefore, it has been classified as a Variant of Uncertain Significance.

Ambry Genetics
Classification: Uncertain significance for Inborn genetic diseases. Last evaluated: 2024-11-20. Review status: criteria provided, single submitter. Criteria: Ambry Variant Classification Scheme 2023. Collection method: clinical testing. Allele origin: germline.
Comment: The p.Q377L variant (also known as c.1130A>T), located in coding exon 5 of the RECQL4 gene, results from an A to T substitution at nucleotide position 1130. The glutamine at codon 377 is replaced by leucine, an amino acid with dissimilar properties. This amino acid position is conserved. In addition, the in silico prediction for this alteration is inconclusive. Based on the available evidence, the clinical significance of this variant remains unclear.

Fulgent Genetics
Classification: Uncertain significance for Baller-Gerold syndrome; Rapadilino syndrome; Rothmund-Thomson syndrome type 2. Last evaluated: 2022-05-16. Review status: criteria provided, single submitter. Criteria: ACMG Guidelines, 2015. Collection method: clinical testing. Allele origin: unknown.

GeneDx
Classification: Uncertain significance. Last evaluated: 2020-09-25. Review status: criteria provided, single submitter. Criteria: GeneDx Variant Classification Process June 2021. Collection method: clinical testing. Allele origin: germline. Affected: yes.
Comment: In silico analysis supports that this missense variant has a deleterious effect on protein structure/function; Has not been previously published as pathogenic or benign to our knowledge

NM_004260.4(RECQL4):c.1130A>T (p.Gln377Leu)

Gene: RECQL4 (RecQ like helicase 4; minus strand). Cytogenetic location: 8q24.3.
Variant type: single nucleotide variant.
Coding change: c.1130A>T on transcript NM_004260.4 (MANE Select); coding-DNA position 1130, A replaced by T.
Protein change: p.Gln377Leu; replaces glutamine 377 with leucine.
Molecular consequence: missense variant.
Genome position (GRCh38, 1-based): chr8:144,515,989, T>A on the plus strand (A>T on the coding strand, the complement: RECQL4 is on the minus strand). VCF-style: chr8-144515989-T-A. GRCh37 (hg19) VCF-style: chr8-145741373-T-A.
Other names: short protein forms Q377L.
Identifiers: ClinVar variation 528980 (VCV000528980.12), dbSNP rs944826681, ClinGen allele CA187688256.